The following is an entry in ClinVar:

ClinVar aggregate classification (germline): Conflicting classifications of pathogenicity. Review status: criteria provided, conflicting classifications (1 of 4 stars). 2 submissions from 2 submitters: Uncertain significance (1); Likely benign (1). Last evaluated 2025-11-22.

Conditions:
Cardiovascular phenotype. Identifiers: MedGen CN230736.
Ehlers-Danlos syndrome, classic type, 1 (EDSCL1). Also called: Ehlers-Danlos syndrome, type 1; Ehlers-Danlos Syndrome, Classic Type, COL5A1-Related; EDS I; EHLERS-DANLOS SYNDROME, GRAVIS TYPE; EHLERS-DANLOS SYNDROME, SEVERE CLASSIC TYPE. Identifiers: MedGen C0268335, MONDO:0019567, OMIM 130000.
Osteogenesis imperfecta type I (OI1). Also called: Osteogenesis imperfecta type 1; Lobstein's Disease; Lobstein disease; OI, TYPE I; OSTEOGENESIS IMPERFECTA TARDA; OSTEOGENESIS IMPERFECTA WITH BLUE SCLERAE. Identifiers: Orphanet 216796, Orphanet 666, MedGen C0023931, MONDO:0008146, OMIM 166200. Disease mechanism: loss of function.

Submissions (2):

Labcorp Genetics (formerly Invitae), Labcorp
Classification: Uncertain significance for Osteogenesis imperfecta type I; Ehlers-Danlos syndrome, classic type, 1. Last evaluated: 2025-11-22. Review status: criteria provided, single submitter. Criteria: Invitae Variant Classification Sherloc (09022015). Collection method: clinical testing. Allele origin: germline.
Comment: This sequence change affects codon 1041 of the COL1A2 mRNA. It is a 'silent' change, meaning that it does not change the encoded amino acid sequence of the COL1A2 protein. This variant is present in population databases (rs568762540, gnomAD 0.03%). This variant has not been reported in the literature in individuals affected with COL1A2-related conditions. ClinVar contains an entry for this variant (Variation ID: 1727878). Algorithms developed to predict the effect of sequence changes on RNA splicing suggest that this variant may disrupt the consensus splice site. In summary, the available evidence is currently insufficient to determine the role of this variant in disease. Therefore, it has been classified as a Variant of Uncertain Significance.

Ambry Genetics
Classification: Likely benign for Cardiovascular phenotype. Last evaluated: 2020-02-20. Review status: criteria provided, single submitter. Criteria: Ambry Variant Classification Scheme 2023. Collection method: clinical testing. Allele origin: germline.

NM_000089.4(COL1A2):c.3123A>G (p.Gln1041=)

Gene: COL1A2 (collagen type I alpha 2 chain; plus strand). Cytogenetic location: 7q21.3.
Variant type: single nucleotide variant.
Coding change: c.3123A>G on transcript NM_000089.4 (MANE Select); coding-DNA position 3123, A replaced by G.
Protein change: p.Gln1041=; no amino-acid change (glutamine 1041 retained).
Molecular consequence: synonymous variant.
Genome position (GRCh38, 1-based): chr7:94,427,025, A>G. VCF-style: chr7-94427025-A-G. GRCh37 (hg19) VCF-style: chr7-94056337-A-G.
Identifiers: ClinVar variation 1727878 (VCV001727878.3), dbSNP rs568762540, ClinGen allele CA4347677.